The following is an entry in ClinVar:

NM_004006.3(DMD):c.7065C>A (p.Asn2355Lys)

Gene: DMD (dystrophin; minus strand). Cytogenetic location: Xp21.1.
Variant type: single nucleotide variant.
Coding change: c.7065C>A on transcript NM_004006.3 (MANE Select); coding-DNA position 7065, C replaced by A.
Protein change: p.Asn2355Lys; replaces asparagine 2355 with lysine.
Molecular consequence: missense variant. On other transcripts: 5 prime UTR variant (5).
Genome position (GRCh38, 1-based): chrX:31,875,221, G>T on the plus strand (C>A on the coding strand, the complement: DMD is on the minus strand). VCF-style: chrX-31875221-G-T. GRCh37 (hg19) VCF-style: chrX-31893338-G-T.
Other names: c.7041C>A, p.Asn2347Lys (NM_000109.4); c.7053C>A, p.Asn2351Lys (NM_004009.3); c.6696C>A, p.Asn2232Lys (NM_004010.3); c.3042C>A, p.Asn1014Lys (NM_004011.4); c.3033C>A, p.Asn1011Lys (NM_004012.4); c.-316C>A (NM_004013.3, NM_004020.4, NM_004021.3 and 2 more transcripts); short protein forms N2355K, N1011K, N2232K, N2351K, N1014K, N2347K.
Identifiers: ClinVar variation 284978 (VCV000284978.12), dbSNP rs759570455, ClinGen allele CA10378351.
Genomic context (GRCh38, chrX:31,875,221, plus strand): 5'-AAATATTTAAAGCAAAAAGTTCCCTACCTTAACGTCAAATGGTCCTTCTTGGTTTGGTTG[G>T]TTATAAATTTCCAACTGATTCCTAATAGGAGATAACCACAGCAGCAGATGATTTAACTGC-3'
Protein context (NP_003997.2, residues 2345-2365): SPIRNQLEIY[Asn2355Lys]QPNQEGPFDV

ClinVar aggregate classification (germline): Uncertain significance. Review status: criteria provided, multiple submitters, no conflicts (2 of 4 stars). 3 submissions from 3 submitters: Uncertain significance (3). Last evaluated 2025-12-17.

Conditions:
Duchenne muscular dystrophy (DMD). Also called: Duchenne Muscular Dystrophy (DMD); MUSCULAR DYSTROPHY, PSEUDOHYPERTROPHIC PROGRESSIVE, DUCHENNE TYPE. Identifiers: Orphanet 98896, MedGen C0013264, MONDO:0010679, OMIM 310200.

Allele frequency attached by ClinVar (database versions not stated): gnomAD exomes below 0.00001 and 0.00001; ExAC 0.00001.
gnomAD v4.1: 2 of 1,196,604 alleles (0.00017%); highest among the groups gnomAD compares: Non-Finnish European, 0.00023%; no homozygotes.

Submissions (3):

Labcorp Genetics (formerly Invitae), Labcorp
Classification: Uncertain significance for Duchenne muscular dystrophy. Last evaluated: 2025-12-17. Review status: criteria provided, single submitter. Criteria: Invitae Variant Classification Sherloc (09022015). Collection method: clinical testing. Allele origin: germline.
Comment: This sequence change replaces asparagine, which is neutral and polar, with lysine, which is basic and polar, at codon 2355 of the DMD protein (p.Asn2355Lys). The frequency data for this variant in the population databases is considered unreliable, as metrics indicate poor data quality at this position in the gnomAD database. This variant has not been reported in the literature in individuals affected with DMD-related conditions. ClinVar contains an entry for this variant (Variation ID: 284978). Invitae Evidence Modeling of protein sequence and biophysical properties (such as structural, functional, and spatial information, amino acid conservation, physicochemical variation, residue mobility, and thermodynamic stability) indicates that this missense variant is not expected to disrupt DMD protein function with a negative predictive value of 95%. In summary, the available evidence is currently insufficient to determine the role of this variant in disease. Therefore, it has been classified as a Variant of Uncertain Significance.

Revvity Omics, Revvity
Classification: Uncertain significance. Last evaluated: 2019-06-19. Review status: criteria provided, single submitter. Criteria: ACMG Guidelines, 2015. Collection method: clinical testing. Allele origin: germline.

Eurofins Ntd Llc (ga)
Classification: Uncertain significance. Last evaluated: 2017-06-05. Review status: criteria provided, single submitter. Criteria: EGL Classification Definitions 2015. Collection method: clinical testing. Allele origin: germline. Observed: 2 variant alleles, 1 heterozygote, 1 hemizygote.